The following is an entry in ClinVar:

ClinVar aggregate classification (germline): Uncertain significance (1 of 4 stars; one submission).

Conditions:
Diamond-Blackfan anemia. Also called: Blackfan Diamond syndrome; Aregenerative anemia chronic congenital; Red cell aplasia, pure hereditary; Congenital hypoplastic anemia; Aase syndrome. Identifiers: Orphanet 124, MedGen C1260899, MeSH D029503, MONDO:0015253, HP:0004810.

Submission:

Labcorp Genetics (formerly Invitae), Labcorp
Classification: Uncertain significance for Diamond-Blackfan anemia. Last evaluated: 2025-12-22. Review status: criteria provided, single submitter. Criteria: Invitae Variant Classification Sherloc (09022015). Collection method: clinical testing. Allele origin: germline.
Comment: This sequence change affects codon 119 of the RPS19 mRNA. It is a 'silent' change, meaning that it does not change the encoded amino acid sequence of the RPS19 protein. It affects a nucleotide within the consensus splice site. This variant is not present in population databases (gnomAD no frequency). This variant has not been reported in the literature in individuals affected with RPS19-related conditions. Algorithms developed to predict the effect of sequence changes on RNA splicing suggest that this variant is not likely to affect RNA splicing. In summary, the available evidence is currently insufficient to determine the role of this variant in disease. Therefore, it has been classified as a Variant of Uncertain Significance.

NM_001022.4(RPS19):c.357C>G (p.Gly119=)

Genes: RPS19 (ribosomal protein S19; plus strand), RPS19-CD79A (RPS19-CD79A readthrough; plus strand). Cytogenetic location: 19q13.2.
Variant type: single nucleotide variant.
Coding change: c.357C>G on transcript NM_001022.4 (MANE Select); coding-DNA position 357, C replaced by G.
Protein change: p.Gly119=; no amino-acid change (glycine 119 retained).
Molecular consequence: synonymous variant. On other transcripts: missense variant (1).
Genome position (GRCh38, 1-based): chr19:41,869,699, C>G. VCF-style: chr19-41869699-C-G. GRCh37 (hg19) VCF-style: chr19-42373769-C-G.
Other names: c.357C>G, p.Gly119= (NM_001321483.2, NM_001321484.2); c.370C>G, p.Arg124Gly (NM_001321485.2); short protein forms R124G.
Identifiers: ClinVar variation 4797731 (VCV004797731.1).
Genomic context (GRCh38, chr19:41,869,699, plus strand): 5'-AAGGGGCTGAGAACAGGACCTGTGCTCACTGGGGCCTGCATGACCCTTCCCTCCCCACAG[C>G]GGCCGCAAACTGACACCTCAGGGACAAAGAGATCTGGACAGAATCGCCGGACAGGTAAGG-3'
Protein context (NP_001013.1, residues 109-129): GLKMVEKDQD[Gly119=]GRKLTPQGQR